The following is an entry in ClinVar:

ClinVar aggregate classification (germline): Uncertain significance. Review status: criteria provided, multiple submitters, no conflicts (2 of 4 stars). 2 submissions from 2 submitters: Uncertain significance (2). Last evaluated 2024-04-24.

Conditions:
Diabetes insipidus, nephrogenic, autosomal (NDI2). Also called: Nephrogenic Diabetes Insipidus, Type II; Diabetes insipidus, nephrogenic, 2, autosomal. Identifiers: Orphanet 223, MedGen C1563706, MONDO:0007451, OMIM 125800.

Allele frequency attached by ClinVar (database versions not stated): gnomAD exomes 0.00001; TOPMed 0.00001; ExAC 0.00004; gnomAD 0.00004.
gnomAD v4.1: 24 of 1,605,528 alleles (0.0015%); highest among the groups gnomAD compares: African/African-American, 0.0027%; no homozygotes.

Submissions (2):

Fulgent Genetics
Classification: Uncertain significance for Diabetes insipidus, nephrogenic, autosomal. Last evaluated: 2024-04-24. Review status: criteria provided, single submitter. Criteria: ACMG Guidelines, 2015. Collection method: clinical testing. Allele origin: germline.

MVZ Medizinische Genetik Mainz
Classification: Uncertain significance for Diabetes insipidus, nephrogenic, autosomal. Last evaluated: 2022-05-03. Review status: criteria provided, single submitter. Criteria: UK Practice Guidelines For Variant Classification V4 01 2020. Collection method: clinical testing. Allele origin: germline. Inheritance: Autosomal recessive inheritance. Affected: yes. Observed: 1 variant allele.
Comment: ACMG Criteria: PM2_SUP, PM3_SUP (ACMG Version 3)

NM_000486.6(AQP2):c.338G>A (p.Arg113His)

Gene: AQP2 (aquaporin 2; plus strand). Cytogenetic location: 12q13.12.
Variant type: single nucleotide variant.
Coding change: c.338G>A on transcript NM_000486.6 (MANE Select); coding-DNA position 338, G replaced by A.
Protein change: p.Arg113His; replaces arginine 113 with histidine.
Molecular consequence: missense variant.
Genome position (GRCh38, 1-based): chr12:49,951,168, G>A. VCF-style: chr12-49951168-G-A. GRCh37 (hg19) VCF-style: chr12-50344951-G-A.
Other names: short protein forms R113H.
Identifiers: ClinVar variation 3236188 (VCV003236188.2), dbSNP rs778352561, ClinGen allele CA6559200.